The following is an entry in ClinVar:

NM_000548.5(TSC2):c.3266A>G (p.Gln1089Arg)

Gene: TSC2 (TSC complex subunit 2; plus strand). Cytogenetic location: 16p13.3.
Variant type: single nucleotide variant.
Coding change: c.3266A>G on transcript NM_000548.5 (MANE Select); coding-DNA position 3266, A replaced by G.
Protein change: p.Gln1089Arg; replaces glutamine 1089 with arginine.
Molecular consequence: missense variant.
Genome position (GRCh38, 1-based): chr16:2,079,410, A>G. VCF-style: chr16-2079410-A-G. GRCh37 (hg19) VCF-style: chr16-2129411-A-G.
Other names: c.3134A>G, p.Gln1045Arg (NM_001077183.3, NM_001370404.1); c.3266A>G, p.Gln1089Arg (NM_001114382.3); c.3026A>G, p.Gln1009Arg (NM_001318827.2); c.2990A>G, p.Gln997Arg (NM_001318829.2); c.2534A>G, p.Gln845Arg (NM_001318831.2); c.3167A>G, p.Gln1056Arg (NM_001318832.2); c.3137A>G, p.Gln1046Arg (NM_001363528.2, NM_001370405.1, NM_021055.3); c.3266A>G (NM_000548.3); short protein forms Q1046R, Q1056R, Q1089R, Q997R, Q1045R, Q845R, Q1009R.
Identifiers: ClinVar variation 1037054 (VCV001037054.9), dbSNP rs2089843844, ClinGen allele CA394286223.

ClinVar aggregate classification (germline): Uncertain significance. Review status: criteria provided, multiple submitters, no conflicts (2 of 4 stars). 2 submissions from 2 submitters: Uncertain significance (2). Last evaluated 2025-01-14.

Conditions:
Tuberous sclerosis 2 (TSC2). Identifiers: Orphanet 805, MedGen C1860707, MONDO:0013199, OMIM 613254.
Hereditary cancer-predisposing syndrome. Also called: Neoplastic Syndromes, Hereditary; Hereditary Cancer Syndrome; Tumor predisposition; Hereditary neoplastic syndrome. Identifiers: Orphanet 140162, MedGen C0027672, MeSH D009386, MONDO:0015356.

Submissions (2):

Ambry Genetics
Classification: Uncertain significance for Hereditary cancer-predisposing syndrome. Last evaluated: 2025-01-14. Review status: criteria provided, single submitter. Criteria: Ambry Variant Classification Scheme 2023. Collection method: clinical testing. Allele origin: germline.
Comment: The p.Q1089R variant (also known as c.3266A>G), located in coding exon 27 of the TSC2 gene, results from an A to G substitution at nucleotide position 3266. The glutamine at codon 1089 is replaced by arginine, an amino acid with highly similar properties. This amino acid position is conserved. In addition, the in silico prediction for this alteration is inconclusive. Based on the available evidence, the clinical significance of this variant remains unclear.

Labcorp Genetics (formerly Invitae), Labcorp
Classification: Uncertain significance for Tuberous sclerosis 2. Last evaluated: 2020-06-13. Review status: criteria provided, single submitter. Criteria: Invitae Variant Classification Sherloc (09022015). Collection method: clinical testing. Allele origin: germline.
Comment: This variant has not been reported in the literature in individuals with TSC2-related conditions. In summary, the available evidence is currently insufficient to determine the role of this variant in disease. Therefore, it has been classified as a Variant of Uncertain Significance. Algorithms developed to predict the effect of missense changes on protein structure and function (SIFT, PolyPhen-2, Align-GVGD) all suggest that this variant is likely to be tolerated, but these predictions have not been confirmed by published functional studies and their clinical significance is uncertain. This variant is not present in population databases (ExAC no frequency). This sequence change replaces glutamine with arginine at codon 1089 of the TSC2 protein (p.Gln1089Arg). The glutamine residue is moderately conserved and there is a small physicochemical difference between glutamine and arginine.